The following is an entry in ClinVar:

ClinVar aggregate classification (germline): Uncertain significance (1 of 4 stars; one submission).

Conditions:
Catecholaminergic polymorphic ventricular tachycardia (CVPT). Also called: Catecholamine-induced polymorphic ventricular tachycardia. Identifiers: Orphanet 3286, MedGen C5574922, MONDO:0017990.

Submission:

All of Us Research Program, National Institutes of Health
Classification: Uncertain significance for Catecholaminergic polymorphic ventricular tachycardia. Last evaluated: 2023-12-01. Review status: criteria provided, single submitter. Criteria: ACMG Guidelines, 2015. Collection method: clinical testing. Allele origin: germline. Inheritance: Autosomal dominant inheritance. Observed: 1 variant allele, 1 heterozygote.
Comment: This study involves interpretation of variants in research participants for the purpose of population health screening. Participant phenotype was not available at the time of variant classification. Additional details can be found in publication PMID: 35346344, PMCID: PMC8962531

NM_001035.3(RYR2):c.1552G>T (p.Ala518Ser)

Gene: RYR2 (ryanodine receptor 2; plus strand). Cytogenetic location: 1q43.
Variant type: single nucleotide variant.
Coding change: c.1552G>T on transcript NM_001035.3 (MANE Select); coding-DNA position 1552, G replaced by T.
Protein change: p.Ala518Ser; replaces alanine 518 with serine.
Molecular consequence: missense variant.
Genome position (GRCh38, 1-based): chr1:237,456,675, G>T. VCF-style: chr1-237456675-G-T. GRCh37 (hg19) VCF-style: chr1-237619975-G-T.
Other names: short protein forms A518S.
Identifiers: ClinVar variation 3074428 (VCV003074428.1), dbSNP rs2528561148, ClinGen allele CA345381683.